The following is an entry in ClinVar:

ClinVar aggregate classification (germline): Uncertain significance (1 of 4 stars; one submission).

Allele frequency attached by ClinVar (database versions not stated): gnomAD exomes below 0.00001.
gnomAD v4.1: 1 of 1,593,464 alleles (0.000063%); highest among the groups gnomAD compares: Admixed American, 0.0018%; no homozygotes.

Submission:

Labcorp Genetics (formerly Invitae), Labcorp
Classification: Uncertain significance. Last evaluated: 2022-05-27. Review status: criteria provided, single submitter. Criteria: Invitae Variant Classification Sherloc (09022015). Collection method: clinical testing. Allele origin: germline.
Comment: The frequency data for this variant in the population databases is considered unreliable, as metrics indicate poor data quality at this position in the gnomAD database. This sequence change replaces glycine, which is neutral and non-polar, with arginine, which is basic and polar, at codon 68 of the APC2 protein (p.Gly68Arg). This variant has not been reported in the literature in individuals affected with APC2-related conditions. In summary, the available evidence is currently insufficient to determine the role of this variant in disease. Therefore, it has been classified as a Variant of Uncertain Significance. Algorithms developed to predict the effect of missense changes on protein structure and function are either unavailable or do not agree on the potential impact of this missense change (SIFT: "Deleterious"; PolyPhen-2: "Probably Damaging"; Align-GVGD: "Class C0").

NM_005883.3(APC2):c.202G>A (p.Gly68Arg)

Gene: APC2 (APC regulator of Wnt signaling pathway 2; plus strand). Cytogenetic location: 19p13.3.
Variant type: single nucleotide variant.
Coding change: c.202G>A on transcript NM_005883.3 (MANE Select); coding-DNA position 202, G replaced by A.
Protein change: p.Gly68Arg; replaces glycine 68 with arginine.
Molecular consequence: missense variant.
Genome position (GRCh38, 1-based): chr19:1,453,307, G>A. VCF-style: chr19-1453307-G-A. GRCh37 (hg19) VCF-style: chr19-1453306-G-A.
Other names: c.202G>A, p.Gly68Arg (NM_001351273.1); short protein forms G68R.
Identifiers: ClinVar variation 2017264 (VCV002017264.4), dbSNP rs1199788656, ClinGen allele CA403008661.